The following is an entry in ClinVar:

ClinVar aggregate classification (germline): Uncertain significance (1 of 4 stars; one submission).

Conditions:
Candidiasis, familial, 9 (CANDF9). Identifiers: Orphanet 1334, MedGen C4225324, MONDO:0014642, OMIM 616445.

Submission:

Labcorp Genetics (formerly Invitae), Labcorp
Classification: Uncertain significance for Candidiasis, familial, 9. Last evaluated: 2021-07-01. Review status: criteria provided, single submitter. Criteria: Invitae Variant Classification Sherloc (09022015). Collection method: clinical testing. Allele origin: germline.
Comment: This sequence change creates a premature translational stop signal (p.Gln760*) in the IL17RC gene. While this is not anticipated to result in nonsense mediated decay, it is expected to disrupt the last 32 amino acid(s) of the IL17RC protein. This variant is not present in population databases (ExAC no frequency). This variant has not been reported in the literature in individuals affected with IL17RC-related conditions. In summary, the available evidence is currently insufficient to determine the role of this variant in disease. Therefore, it has been classified as a Variant of Uncertain Significance.

NM_153460.4(IL17RC):c.2065C>T (p.Gln689Ter)

Genes: IL17RC (interleukin 17 receptor C; plus strand), LOC129936144 (ATAC-STARR-seq lymphoblastoid silent region 14051; plus strand). Cytogenetic location: 3p25.3.
Variant type: single nucleotide variant.
Coding change: c.2065C>T on transcript NM_153460.4 (MANE Select); coding-DNA position 2065, C replaced by T.
Protein change: p.Gln689Ter; replaces glutamine 689 with a stop codon.
Molecular consequence: nonsense. On other transcripts: non-coding transcript variant (1).
Genome position (GRCh38, 1-based): chr3:9,933,495, C>T. VCF-style: chr3-9933495-C-T. GRCh37 (hg19) VCF-style: chr3-9975179-C-T.
Other names: c.2026C>T, p.Gln676Ter (NM_001203263.2); c.1975C>T, p.Gln659Ter (NM_001203264.2); c.1969C>T, p.Gln657Ter (NM_001203265.2); c.1987C>T, p.Gln663Ter (NM_001367278.1); c.1906C>T, p.Gln636Ter (NM_001367279.1); c.1981C>T, p.Gln661Ter (NM_001367280.1); c.2020C>T, p.Gln674Ter (NM_032732.6); c.2278C>T, p.Gln760Ter (NM_153461.4); short protein forms Q663*, Q676*, Q659*, Q636*, Q661*, Q674*, Q760*, Q657*.
Identifiers: ClinVar variation 1502724 (VCV001502724.6), dbSNP rs2125322571, ClinGen allele CA351709484.
Genomic context (GRCh38, chr3:9,933,495, plus strand): 5'-CCTCGCGCCCCGCGTTCCGGGCGGCTCCAAGAGAGAGCGGAGCAAGTGTCCCGGGCCCTT[C>T]AGCCAGCCCTGGATAGCTACTTCCATCCCCCGGGGACTCCCGCGCCGGGACGCGGGGTGG-3'